The following is an entry in ClinVar:

ClinVar aggregate classification (germline): Benign (1 of 4 stars; one submission).

Conditions:
Familial cancer of breast. Also called: BREAST CANCER, FAMILIAL; Hereditary breast cancer; hereditary breast carcinoma. Identifiers: Orphanet 227535, MedGen C0346153, MONDO:0016419, OMIM 114480. Disease mechanism: loss of function.

Submission:

Myriad Genetics, Inc.
Classification: Benign for Familial cancer of breast. Last evaluated: 2024-05-14. Review status: criteria provided, single submitter. Criteria: Myriad Autosomal Dominant, Autosomal Recessive and X-Linked Classification Criteria (2023). Collection method: clinical testing. Allele origin: unknown.
Comment: This variant is considered benign. This variant is a silent/synonymous amino acid change and it is not expected to impact splicing.

NM_000051.4(ATM):c.3573A>G (p.Lys1191=)

Gene: ATM (ATM serine/threonine kinase; plus strand). Cytogenetic location: 11q22.3.
Variant type: single nucleotide variant.
Coding change: c.3573A>G on transcript NM_000051.4 (MANE Select); coding-DNA position 3573, A replaced by G.
Protein change: p.Lys1191=; no amino-acid change (lysine 1191 retained).
Molecular consequence: synonymous variant.
Genome position (GRCh38, 1-based): chr11:108,281,165, A>G. VCF-style: chr11-108281165-A-G. GRCh37 (hg19) VCF-style: chr11-108151892-A-G.
Other names: c.3573A>G, p.Lys1191= (NM_001351834.2).
Identifiers: ClinVar variation 3254494 (VCV003254494.1), dbSNP rs2135670474.